The following is an entry in ClinVar:

ClinVar aggregate classification (germline): Likely benign. Review status: criteria provided, multiple submitters, no conflicts (2 of 4 stars). 4 submissions from 4 submitters: Likely benign (3). 1 of the submissions does not count toward it. Last evaluated 2026-01-25.

Conditions:
RYR1-related disorder. Also called: RYR1-related disorders; RYR1-related condition. Identifiers: MedGen CN239331.
Malignant hyperthermia, susceptibility to, 1 (MHS1). Also called: Malignant hyperthermia suceptibility 1; Anesthesia related hyperthermia; Malignant hyperpyrexia; Fulminating hyperpyrexia; Pharmacogenic myopathy; RYR1-Related Malignant Hyperthermia Susceptibility. Identifiers: Orphanet 423, MedGen C2930980, MONDO:0007783, OMIM 145600.

Allele frequency attached by ClinVar (database versions not stated): gnomAD 0.00003; TOPMed 0.00003.
gnomAD v4.1: 13 of 1,613,832 alleles (0.00081%); highest among the groups gnomAD compares: African/African-American, 0.015%; no homozygotes.

Submissions (4):

Labcorp Genetics (formerly Invitae), Labcorp
Classification: Likely benign for RYR1-related disorder. Last evaluated: 2026-01-25. Review status: criteria provided, single submitter. Criteria: Invitae Variant Classification Sherloc (09022015). Collection method: clinical testing. Allele origin: germline.

All of Us Research Program, National Institutes of Health
Classification: Likely benign for Malignant hyperthermia, susceptibility to, 1. Last evaluated: 2023-02-24. Review status: criteria provided, single submitter. Criteria: ACMG Guidelines, 2015. Collection method: clinical testing. Allele origin: germline. Inheritance: Autosomal dominant inheritance. Observed: 1 variant allele, 1 heterozygote.
Comment: This study involves interpretation of variants in research participants for the purpose of population health screening. Participant phenotype was not available at the time of variant classification. Additional details can be found in publication PMID: 35346344, PMCID: PMC8962531

Color Diagnostics, LLC DBA Color Health
Classification: Likely benign for Malignant hyperthermia, susceptibility to, 1. Last evaluated: 2022-11-06. Review status: criteria provided, single submitter. Criteria: ACMG Guidelines, 2015. Collection method: clinical testing. Allele origin: germline.

PreventionGenetics, part of Exact Sciences
Classification: Likely benign for RYR1-related condition. Last evaluated: 2022-09-28. Review status: no assertion criteria provided. Collection method: clinical testing. Allele origin: germline. Not counted in ClinVar's aggregate classification.
Comment: This variant is classified as likely benign based on ACMG/AMP sequence variant interpretation guidelines (Richards et al. 2015 PMID: 25741868, with internal and published modifications).

NM_000540.3(RYR1):c.11253C>G (p.Ser3751=)

Gene: RYR1 (ryanodine receptor 1; plus strand). Cytogenetic location: 19q13.2.
Variant type: single nucleotide variant.
Coding change: c.11253C>G on transcript NM_000540.3 (MANE Select); coding-DNA position 11253, C replaced by G.
Protein change: p.Ser3751=; no amino-acid change (serine 3751 retained).
Molecular consequence: synonymous variant.
Genome position (GRCh38, 1-based): chr19:38,532,730, C>G. VCF-style: chr19-38532730-C-G. GRCh37 (hg19) VCF-style: chr19-39023370-C-G.
Other names: c.11238C>G, p.Ser3746= (NM_001042723.2).
Identifiers: ClinVar variation 2199359 (VCV002199359.7), dbSNP rs924170175, ClinGen allele CA308084398.
Genomic context (GRCh38, chr19:38,532,730, plus strand): 5'-GAGCTGCCACCTGGAGGAGGGAGGGGAGAACGGTGAAGCTGAAGAGGAGGTTGAGGTCTC[C>G]TTTGAGGTAGGTGGGCTCAGGAGGTCCTGGAGGGAAGGGATGGGGGACCCTGACTGCAGT-3'
Protein context (NP_000531.2, residues 3741-3761): NGEAEEEVEV[Ser3751=]FEEKQMEKQR